The following is an entry in ClinVar:

ClinVar aggregate classification (germline): Pathogenic (0 of 4 stars; one submission).

Conditions:
Polycystic kidney disease, adult type (PKD1). Also called: POLYCYSTIC KIDNEY DISEASE 1 WITH OR WITHOUT POLYCYSTIC LIVER DISEASE; POLYCYSTIC KIDNEY DISEASE, ADULT, TYPE I; Polycystic Kidney Disease 1, Autosomal Dominant; Polycystic kidney disease 1; Polycystic kidney disease 1, severe; Polycystic Kidney, Autosomal Dominant. Identifiers: MedGen C3149841, MONDO:0008263, OMIM 173900.

Submission:

Centre for Genetic Disorders, Banaras Hindu University
Classification: Pathogenic for Polycystic kidney disease, adult type. Last evaluated: 2017-12-30. Review status: no assertion criteria provided. Collection method: research. Allele origin: germline. Inheritance: Autosomal dominant inheritance. Affected: yes. Observed: 13 variant alleles, 13 heterozygotes. Clinical features observed: Polycystic kidney disease (HP:0000113).
Comment: NM_001009944:c.7925_7926delTA change in PKD1 is associated with polycystic kidney disease (OMIM# 173900) in an Indian family. Females and males were equally affected. This variation was not present in the unaffected family members and 100 control individuals. This change is a frame-shift mutation leading to termination of protein synthesis at 2660th amino acid (I2642Tfs*18). MutationTaster predicts the variant to cause the disease.

NM_001009944.3(PKD1):c.7925_7926del (p.Ile2642fs)

Gene: PKD1 (polycystin 1, transient receptor potential channel interacting; minus strand). Cytogenetic location: 16p13.3.
Variant type: Deletion.
Coding change: c.7925_7926del on transcript NM_001009944.3 (MANE Select); coding-DNA positions 7925 to 7926, 2 bases deleted (TA; older notation c.7925_7926delTA).
Protein change: p.Ile2642fs; shifts the reading frame from isoleucine 2642.
Molecular consequence: frameshift variant.
Genome position (GRCh38, 1-based): chr16:2,105,412-2,105,413, TA deleted on the plus strand (TA on the coding strand, the reverse complement: PKD1 is on the minus strand); deleting any 2 consecutive bases within chr16:2,105,412-2,105,414 gives the same sequence; the c. name uses the placement nearest the transcript's 3' end. VCF-style (leftmost placement, unchanged base first): chr16-2105411-GTA-G. GRCh37 (hg19) VCF-style: chr16-2155412-GTA-G.
Other names: c.7925_7926del, p.Ile2642fs (NM_000296.4); short protein forms I2642fs.
Identifiers: ClinVar variation 549710 (VCV000549710.3), dbSNP rs1555452400, ClinGen allele CA658824486.